The following is an entry in ClinVar:

NM_005629.4(SLC6A8):c.395G>T (p.Gly132Val)

Gene: SLC6A8 (solute carrier family 6 member 8; plus strand). Cytogenetic location: Xq28.
Variant type: single nucleotide variant.
Coding change: c.395G>T on transcript NM_005629.4 (MANE Select); coding-DNA position 395, G replaced by T.
Protein change: p.Gly132Val; replaces glycine 132 with valine.
Molecular consequence: missense variant.
Genome position (GRCh38, 1-based): chrX:153,691,304, G>T. VCF-style: chrX-153691304-G-T. GRCh37 (hg19) VCF-style: chrX-152956759-G-T.
Other names: NM_005629.4(SLC6A8):c.395G>T; c.395G>T, p.Gly132Val (NM_001142805.2); c.50G>T, p.Gly17Val (NM_001142806.1); short protein forms G132V, G17V.
Identifiers: ClinVar variation 11703 (VCV000011703.4), dbSNP rs122453117, ClinGen allele CA256014.
Genomic context (GRCh38, chrX:153,691,304, plus strand): 5'-GGGGTGGCAGGGGGAGGTGGCCAGGGAAGAATCTACATGGCAAGGACTTCCCGGCCCCAG[G>T]CCTGGGCTACGCCTCCATGGTGATCGTCTTCTACTGCAACACCTACTACATCATGGTGCT-3'
Protein context (NP_005620.1, residues 122-142): NVWNICPLFK[Gly132Val]LGYASMVIVF

ClinVar aggregate classification (germline): Likely pathogenic. Review status: reviewed by expert panel (3 of 4 stars). 2 submissions from 2 submitters: Likely pathogenic (1). 1 of the submissions does not count toward it. Last evaluated 2024-04-11.

Conditions:
Creatine transporter deficiency (CCDS1). Also called: SLC6A8-Related Creatine Transporter Deficiency; Creatine Transporter (CRTR) Deficiency; CREATINE TRANSPORTER DEFECT; CEREBRAL CREATINE DEFICIENCY SYNDROME 1; Mental retardation , X-linked with seizures, short stature and midface hypoplasia; Mental retardation , X-linked, with creatine transport deficiency. Identifiers: Orphanet 52503, MedGen C1845862, MONDO:0010305, OMIM 300352.

Submissions (2):

ClinGen Cerebral Creatine Deficiency Syndromes Variant Curation Expert Panel, ClinGen
Classification: Likely pathogenic for Creatine transporter deficiency. Last evaluated: 2024-04-11. Review status: reviewed by expert panel. Criteria: ClinGen_CCDS_ACMG_Specifications_SLC6A8_v1.1. Collection method: curation. Allele origin: germline. Inheritance: X-linked inheritance.
Comment: The NM_005629.4:c.395G>T variant in SLC6A8 is a missense variant that is predicted to result in the substitution of a glycine for a valine at amino acid 132 (p.Gly132Val). This variant was reported to result in <10% creatine transport activity when expressed in SLC6A8-deficient fibroblasts. A creatine concentration of 25uM was used, meeting the requirement for the assay to be carried out with less than or equal to 125uM creatine (PMID: 22281021, 23644449) (PS3_Supporting). The variant is absent in gnomAD v2.1.1. (PM2_Supporting). The computational predictor REVEL gives a score of 0.916 which is above the threshold of 0.75, evidence that correlates with impact to SLC6A8 function (PP3). There is a ClinVar entry for this variant (Variation ID: 2290132). In summary, this variant meets criteria to be classified as likely pathogenic for creatine transporter deficiency. ACMG/AMP SLC6A8-specific criteria applied, as specified by the ClinGen CCDS VCEP (Specifications Version 1.1.0): PS3_Supporting, PM2_Supporting, PP3, PP4_Strong. (Classification approved by the ClinGen CCDS VCEP on April 11, 2024)

OMIM
Classification: Pathogenic for CEREBRAL CREATINE DEFICIENCY SYNDROME 1. Last evaluated: 2006-11-14. Review status: no assertion criteria provided. Collection method: literature only. Allele origin: germline. Not counted in ClinVar's aggregate classification.

Literature cited by the submitters: PubMed 23644449 (cited by ClinGen Cerebral Creatine Deficiency Syndromes Variant Curation Expert Panel, ClinGen); PubMed 22281021 (cited by ClinGen Cerebral Creatine Deficiency Syndromes Variant Curation Expert Panel, ClinGen); PubMed 17101918 (cited by OMIM).